The following is an entry in ClinVar:

ClinVar aggregate classification (germline): Pathogenic (1 of 4 stars; one submission).

Conditions:
Methylcobalamin deficiency type cblG (HMAG). Also called: HOMOCYSTINURIA-MEGALOBLASTIC ANEMIA DUE TO DEFECT IN COBALAMIN METABOLISM, cblG COMPLEMENTATION TYPE; Functional methionine synthase deficiency type cblG; HOMOCYSTINURIA-MEGALOBLASTIC ANEMIA, cblG TYPE; HOMOCYSTINURIA-MEGALOBLASTIC ANEMIA, cblG COMPLEMENTATION TYPE. Identifiers: Orphanet 2170, Orphanet 622, MedGen C1855128, MONDO:0009609, OMIM 250940.

Submission:

Stanford Starfish Project, Stanford University
Classification: Pathogenic for Methylcobalamin deficiency type cblG. Last evaluated: 2026-02-02. Review status: criteria provided, single submitter. Criteria: ACMG Guidelines, 2015. Collection method: provider interpretation. Allele origin: paternal. Inheritance: Autosomal recessive inheritance. Affected: yes. Observed: 1 compound heterozygote.
Comment: This variant is predicted to result in the substitution of arginine by glycine at amino acid 332 (p.R332G).This variant is not reported in large population databases. See Observation 1 for details on clinical features. Variant present in trans with another variant in MTR currently reported as a VUS: c.2925G>T p.W975C

NM_000254.3(MTR):c.994A>G (p.Arg332Gly)

Gene: MTR (5-methyltetrahydrofolate-homocysteine methyltransferase; plus strand). Cytogenetic location: 1q43.
Variant type: single nucleotide variant.
Coding change: c.994A>G on transcript NM_000254.3 (MANE Select); coding-DNA position 994, A replaced by G.
Protein change: p.Arg332Gly; replaces arginine 332 with glycine.
Molecular consequence: missense variant. On other transcripts: 5 prime UTR variant (1).
Genome position (GRCh38, 1-based): chr1:236,826,895, A>G. VCF-style: chr1-236826895-A-G. GRCh37 (hg19) VCF-style: chr1-236990195-A-G.
Other names: c.994A>G, p.Arg332Gly (NM_001291939.1, NM_001410942.1); c.-115A>G (NM_001291940.2); short protein forms R332G.
Identifiers: ClinVar variation 4755414 (VCV004755414.1).
Genomic context (GRCh38, chr1:236,826,895, plus strand): 5'-GCTATGGATGGCTTGGTCAATATAGTTGGAGGATGCTGTGGGTCAACACCAGATCATATC[A>G]GGTAATAATCACCTATAGACAATATATCTAAAACCAAGTGGATAATCAGGTAATAATCTA-3'
Protein context (NP_000245.2, residues 322-342): GCCGSTPDHI[Arg332Gly]EIAEAVKNCK